The following is an entry in ClinVar:

ClinVar aggregate classification (germline): Uncertain significance (1 of 4 stars; one submission).

Allele frequency attached by ClinVar (database versions not stated): TOPMed below 0.00001.
gnomAD v4.1: 14 of 1,607,562 alleles (0.00087%); highest among the groups gnomAD compares: Non-Finnish European, 0.0012%; no homozygotes.

Submission:

ARUP Laboratories, Molecular Genetics and Genomics, ARUP Laboratories
Classification: Uncertain significance. Last evaluated: 2018-05-15. Review status: criteria provided, single submitter. Criteria: ARUP Molecular Germline Variant Investigation Process. Collection method: clinical testing. Allele origin: germline.
Comment: The p.Arg899Gly variant has not been reported in the medical literature, gene specific variation databases, nor has it been previously identified by our laboratory. It is absent from general population databases such as 1000 Genomes, NHLBI GO Exome Sequencing Project (ESP), and the Genome Aggregation Database (gnomAD). The arginine at position 899 is weakly conserved considering 12 species (Alamut v2.11) and computational analyses of the effects of the p.Arg899Gly variant on protein structure and function provide conflicting results (SIFT: damaging, PolyPhen-2: benign). The nucleotide is also weakly conserved, and computational analyses (Alamut v.2.11) predict that this variant may impact splicing by creating a novel cryptic donor splice site at the penultimate codon. Altogether, there is not enough evidence to classify the p.Arg899Gly variant with certainty.

NM_153676.4(USH1C):c.2695C>G (p.Arg899Gly)

Gene: USH1C (USH1 protein network component harmonin; minus strand). Cytogenetic location: 11p15.1.
Variant type: single nucleotide variant.
Coding change: c.2695C>G on transcript NM_153676.4 (MANE Select); coding-DNA position 2695, C replaced by G.
Protein change: p.Arg899Gly; replaces arginine 899 with glycine.
Molecular consequence: missense variant. On other transcripts: 3 prime UTR variant (2), non-coding transcript variant (1).
Genome position (GRCh38, 1-based): chr11:17,494,337, G>C on the plus strand (C>G on the coding strand, the complement: USH1C is on the minus strand). VCF-style: chr11-17494337-G-C. GRCh37 (hg19) VCF-style: chr11-17515884-G-C.
Other names: c.*27C>G (NM_001297764.2, NM_005709.4); short protein forms R899G.
Identifiers: ClinVar variation 618472 (VCV000618472.8), dbSNP rs757572697, ClinGen allele CA379796249.
Genomic context (GRCh38, chr11:17,494,337, plus strand): 5'-TCAAGGCTGATCCGAGGCTTTGTGTTCACGAGGTGGGGCCGGAGCTCACTGTTTCCTAAC[G>C]GTGAATTTGGTTTCCCCTTTTGGACTTCAGAAGAAGGTCCTGCAGGGAAGTGGAAACAGC-3'
Protein context (NP_710142.1, residues 889-899): LKSKRGNQIH[Arg899Gly]